The following is an entry in ClinVar:

ClinVar aggregate classification (germline): Conflicting classifications of pathogenicity. Review status: criteria provided, conflicting classifications (1 of 4 stars). 2 submissions from 2 submitters: Uncertain significance (1); Likely benign (1). Last evaluated 2023-03-23.

Conditions:
Hereditary cancer-predisposing syndrome. Also called: Neoplastic Syndromes, Hereditary; Hereditary Cancer Syndrome; Tumor predisposition; Hereditary neoplastic syndrome. Identifiers: Orphanet 140162, MedGen C0027672, MeSH D009386, MONDO:0015356.

Submissions (2):

University of Washington Department of Laboratory Medicine, University of Washington
Classification: Likely benign for Hereditary cancer-predisposing syndrome. Last evaluated: 2023-03-23. Review status: criteria provided, single submitter. Criteria: Dines et al. (Genet Med. 2020). Collection method: curation. Allele origin: germline.
Comment: Missense variant in a coldspot region where missense variants are very unlikely to be pathogenic (PMID:31911673).

BRCA2 exon 11 coldspot. Reclassification based on statistical prior probability.

Women's Health and Genetics/Laboratory Corporation of America, LabCorp
Classification: Uncertain significance. Last evaluated: 2019-05-20. Review status: criteria provided, single submitter. Criteria: LabCorp Variant Classification Summary - May 2015. Collection method: clinical testing. Allele origin: germline.
Comment: Variant summary: BRCA2 c.3322A>C (p.Lys1108Gln) results in a conservative amino acid change in the encoded protein sequence. Five of five in-silico tools predict a benign effect of the variant on protein function. The variant was absent in 238670 control chromosomes (gnomAD). The available data on variant occurrences in the general population are insufficient to allow any conclusion about variant significance. To our knowledge, no occurrence of c.3322A>C in individuals affected with Hereditary Breast and Ovarian Cancer and no experimental evidence demonstrating its impact on protein function have been reported. No clinical diagnostic laboratories have submitted clinical-significance assessments for this variant to ClinVar after 2014. Based on the evidence outlined above, the variant was classified as uncertain significance.

NM_000059.4(BRCA2):c.3322A>C (p.Lys1108Gln)

Gene: BRCA2 (BRCA2 DNA repair associated; plus strand). Cytogenetic location: 13q13.1.
Variant type: single nucleotide variant.
Coding change: c.3322A>C on transcript NM_000059.4 (MANE Select); coding-DNA position 3322, A replaced by C.
Protein change: p.Lys1108Gln; replaces lysine 1108 with glutamine.
Molecular consequence: missense variant.
Genome position (GRCh38, 1-based): chr13:32,337,677, A>C. VCF-style: chr13-32337677-A-C. GRCh37 (hg19) VCF-style: chr13-32911814-A-C.
Other names: short protein forms K1108Q.
Identifiers: ClinVar variation 928543 (VCV000928543.3), dbSNP rs1555283169, ClinGen allele CA387776241.